The following is an entry in ClinVar:

ClinVar aggregate classification (germline): Uncertain significance. Review status: criteria provided, multiple submitters, no conflicts (2 of 4 stars). 7 submissions from 7 submitters: Uncertain significance (7). Last evaluated 2025-12-09.

Conditions:
Marfan syndrome (MFS). Also called: MARFAN SYNDROME, TYPE I; Marfan syndrome type 1; Marfan's syndrome; Marfan syndrome, classic; FBN1-Related Marfan Syndrome. Identifiers: Orphanet 284963, Orphanet 558, MedGen C0024796, MONDO:0007947, OMIM 154700.
Familial thoracic aortic aneurysm and aortic dissection (TAAD). Also called: Thoracic aortic aneurysms and dissections. Identifiers: Orphanet 91387, MedGen C4707243, MONDO:0019625.

Allele frequency attached by ClinVar (database versions not stated): TOPMed below 0.00001.
gnomAD v4.1: 10 of 1,613,278 alleles (0.00062%); highest among the groups gnomAD compares: East Asian, 0.0022%; no homozygotes.

Submissions (7):

Labcorp Genetics (formerly Invitae), Labcorp
Classification: Uncertain significance for Marfan syndrome; Familial thoracic aortic aneurysm and aortic dissection. Last evaluated: 2025-12-09. Review status: criteria provided, single submitter. Criteria: Invitae Variant Classification Sherloc (09022015). Collection method: clinical testing. Allele origin: germline.
Comment: This sequence change replaces arginine, which is basic and polar, with histidine, which is basic and polar, at codon 1915 of the FBN1 protein (p.Arg1915His). This variant is not present in population databases (gnomAD no frequency). This missense change has been observed in individual(s) with clinical features of FBN1-related features (PMID: 31830381). ClinVar contains an entry for this variant (Variation ID: 2150905). Invitae Evidence Modeling of protein sequence and biophysical properties (such as structural, functional, and spatial information, amino acid conservation, physicochemical variation, residue mobility, and thermodynamic stability) indicates that this missense variant is not expected to disrupt FBN1 protein function with a negative predictive value of 95%. This variant disrupts the p.Arg1915 amino acid residue in FBN1. Other variant(s) that disrupt this residue have been observed in individuals with FBN1-related conditions (PMID: 11700157), which suggests that this may be a clinically significant amino acid residue. In summary, the available evidence is currently insufficient to determine the role of this variant in disease. Therefore, it has been classified as a Variant of Uncertain Significance.

Revvity Omics, Revvity
Classification: Uncertain significance. Last evaluated: 2024-11-12. Review status: criteria provided, single submitter. Criteria: ACMG Guidelines, 2015. Collection method: clinical testing. Allele origin: germline.

Women's Health and Genetics/Laboratory Corporation of America, LabCorp
Classification: Uncertain significance. Last evaluated: 2024-09-30. Review status: criteria provided, single submitter. Criteria: LabCorp Variant Classification Summary - May 2015. Collection method: clinical testing. Allele origin: germline.
Comment: Variant summary: FBN1 c.5744G>A (p.Arg1915His) results in a non-conservative amino acid change located in the EGF-like domain (IPR000742) of the encoded protein sequence. Three of five in-silico tools predict a benign effect of the variant on protein function. The variant was absent in 251070 control chromosomes. The available data on variant occurrences in the general population are insufficient to allow any conclusion about variant significance. c.5744G>A has been reported in the literature in individuals with clinical features of Marfan Syndrome (Xu_2020). These report(s) do not provide unequivocal conclusions about association of the variant with Marfan Syndrome. To our knowledge, no experimental evidence demonstrating an impact on protein function has been reported. The following publication has been ascertained in the context of this evaluation (PMID: 31830381). ClinVar contains an entry for this variant (Variation ID: 2150905). Based on the evidence outlined above, the variant was classified as uncertain significance.

All of Us Research Program, National Institutes of Health
Classification: Uncertain significance for Marfan syndrome. Last evaluated: 2024-09-23. Review status: criteria provided, single submitter. Criteria: ACMG Guidelines, 2015. Collection method: clinical testing. Allele origin: germline. Inheritance: Autosomal dominant inheritance. Observed: 3 variant alleles, 3 heterozygotes.
Comment: This missense variant replaces arginine with histidine at codon 1915 of the FBN1 protein. Computational prediction suggests that this variant may not impact protein structure and function (internally defined REVEL score threshold <= 0.5, PMID: 27666373). To our knowledge, functional studies have not been reported for this variant. This variant has been observed in six individuals with clinical features of Marfan syndrome (PMID: 31830381, ClinVar SCV001413547.4). This variant has not been identified in the general population by the Genome Aggregation Database (gnomAD). The available evidence is insufficient to determine the role of this variant in disease conclusively. Therefore, this variant is classified as a Variant of Uncertain Significance.

This study involves interpretation of variants in research participants for the purpose of population health screening. Participant phenotype was not available at the time of variant classification. Additional details can be found in publication PMID: 35346344, PMCID: PMC8962531

GeneDx
Classification: Uncertain significance. Last evaluated: 2023-12-15. Review status: criteria provided, single submitter. Criteria: GeneDx Variant Classification Process June 2021. Collection method: clinical testing. Allele origin: germline. Affected: yes.
Comment: Not observed at significant frequency in large population cohorts (gnomAD); In silico analysis supports that this missense variant does not alter protein structure/function; Although located in a calcium-binding EGF-like domain of the FBN1 gene, it does not affect a cysteine residue within this domain; cysteine substitutions in the calcium-binding EGF-like domains represent the majority of pathogenic missense changes associated with FBN1-related disorders (PMID: 12938084); This variant is associated with the following publications: (PMID: 31830381, 12938084)

ARUP Laboratories, Molecular Genetics and Genomics, ARUP Laboratories
Classification: Uncertain significance. Last evaluated: 2023-08-08. Review status: criteria provided, single submitter. Criteria: ARUP Molecular Germline Variant Investigation Process 2024. Collection method: clinical testing. Allele origin: germline.
Comment: The FBN1 c.5744G>A; p.Arg1915His variant (rs2043162615) is reported in the literature in individuals with FBN1-associated disorders (Xu 2020). This variant is also reported in ClinVar (Variation ID: 2150905). It is absent from the Genome Aggregation Database, indicating it is not a common polymorphism. Computational analyses are uncertain whether this variant is neutral or deleterious (REVEL: 0.364). A different variant at this codon, p.Arg1915Cys, has also been reported in association with FBN1-associated disorders and is considered to be likely pathogenic/pathogenic (see ClinVar Variation ID: 495629). However, due to limited clinical and functional data, the clinical significance of the p.Arg1915His variant is uncertain at this time. References: Xu S et al. Increased frequency of FBN1 frameshift and nonsense mutations in Marfan syndrome patients with aortic dissection. Mol Genet Genomic Med. 2020 Jan;8(1):e1041. PMID: 31830381.

Color Diagnostics, LLC DBA Color Health
Classification: Uncertain significance for Familial thoracic aortic aneurysm and aortic dissection. Last evaluated: 2023-05-01. Review status: criteria provided, single submitter. Criteria: ACMG Guidelines, 2015. Collection method: clinical testing. Allele origin: germline.
Comment: This missense variant replaces arginine with histidine at codon 1915 of the FBN1 protein. Computational prediction suggests that this variant may not impact protein structure and function (internally defined REVEL score threshold <= 0.5, PMID: 27666373). To our knowledge, functional studies have not been reported for this variant. This variant has been observed in six individuals with clinical features of Marfan syndrome (PMID: 31830381, ClinVar SCV001413547.4). This variant has not been identified in the general population by the Genome Aggregation Database (gnomAD). The available evidence is insufficient to determine the role of this variant in disease conclusively. Therefore, this variant is classified as a Variant of Uncertain Significance.

Literature cited by the submitters: PubMed 31830381 (cited by 4 submitters); PubMed 11700157 (cited by Labcorp Genetics (formerly Invitae), Labcorp).

NM_000138.5(FBN1):c.5744G>A (p.Arg1915His)

Gene: FBN1 (fibrillin 1; minus strand). Cytogenetic location: 15q21.1.
Variant type: single nucleotide variant.
Coding change: c.5744G>A on transcript NM_000138.5 (MANE Select); coding-DNA position 5744, G replaced by A.
Protein change: p.Arg1915His; replaces arginine 1915 with histidine.
Molecular consequence: missense variant.
Genome position (GRCh38, 1-based): chr15:48,446,750, C>T on the plus strand (G>A on the coding strand, the complement: FBN1 is on the minus strand). VCF-style: chr15-48446750-C-T. GRCh37 (hg19) VCF-style: chr15-48738947-C-T.
Other names: c.5744G>A, p.Arg1915His (NM_001406716.1); short protein forms R1915H.
Identifiers: ClinVar variation 2150905 (VCV002150905.10), dbSNP rs2043162615, ClinGen allele CA392341188.